The following is an entry in ClinVar:

ClinVar aggregate classification (germline): Uncertain significance (1 of 4 stars; one submission).

Allele frequency attached by ClinVar (database versions not stated): gnomAD 0.00001; TOPMed below 0.00001.

Submission:

GeneDx
Classification: Uncertain significance. Last evaluated: 2021-04-20. Review status: criteria provided, single submitter. Criteria: GeneDx Variant Classification Process June 2021. Collection method: clinical testing. Allele origin: germline. Affected: yes.
Comment: Not observed in large population cohorts (Lek et al., 2016); In silico analysis supports that this missense variant does not alter protein structure/function; Has not been previously published as pathogenic or benign to our knowledge

NM_018249.6(CDK5RAP2):c.3997A>C (p.Met1333Leu)

Gene: CDK5RAP2 (CDK5 regulatory subunit associated protein 2; minus strand). Cytogenetic location: 9q33.2.
Variant type: single nucleotide variant.
Coding change: c.3997A>C on transcript NM_018249.6 (MANE Select); coding-DNA position 3997, A replaced by C.
Protein change: p.Met1333Leu; replaces methionine 1333 with leucine.
Molecular consequence: missense variant. On other transcripts: non-coding transcript variant (5).
Genome position (GRCh38, 1-based): chr9:120,422,700, T>G on the plus strand (A>C on the coding strand, the complement: CDK5RAP2 is on the minus strand). VCF-style: chr9-120422700-T-G. GRCh37 (hg19) VCF-style: chr9-123184978-T-G.
Other names: c.3997A>C, p.Met1333Leu (NM_001011649.3); c.3307A>C, p.Met1103Leu (NM_001272039.2); short protein forms M1103L, M1333L.
Identifiers: ClinVar variation 1314833 (VCV001314833.2), dbSNP rs2034639358, ClinGen allele CA374719604.